The following is an entry in ClinVar:

ClinVar aggregate classification (germline): Uncertain significance (1 of 4 stars; one submission).

Allele frequency attached by ClinVar (database versions not stated): gnomAD exomes below 0.00001.
gnomAD v4.1: 2 of 1,609,150 alleles (0.00012%); highest among the groups gnomAD compares: Non-Finnish European, 0.00017%; no homozygotes.

Submission:

Labcorp Genetics (formerly Invitae), Labcorp
Classification: Uncertain significance. Last evaluated: 2023-04-09. Review status: criteria provided, single submitter. Criteria: Invitae Variant Classification Sherloc (09022015). Collection method: clinical testing. Allele origin: germline.
Comment: This sequence change replaces histidine, which is basic and polar, with tyrosine, which is neutral and polar, at codon 367 of the MNX1 protein (p.His367Tyr). In summary, the available evidence is currently insufficient to determine the role of this variant in disease. Therefore, it has been classified as a Variant of Uncertain Significance. An algorithm developed to predict the effect of missense changes on protein structure and function (PolyPhen-2) suggests that this variant is likely to be tolerated. This variant has not been reported in the literature in individuals affected with MNX1-related conditions. This variant is not present in population databases (gnomAD no frequency).

NM_005515.4(MNX1):c.1099C>T (p.His367Tyr)

Gene: MNX1 (motor neuron and pancreas homeobox 1; minus strand). Cytogenetic location: 7q36.3.
Variant type: single nucleotide variant.
Coding change: c.1099C>T on transcript NM_005515.4 (MANE Select); coding-DNA position 1099, C replaced by T.
Protein change: p.His367Tyr; replaces histidine 367 with tyrosine.
Molecular consequence: missense variant.
Genome position (GRCh38, 1-based): chr7:157,005,627, G>A on the plus strand (C>T on the coding strand, the complement: MNX1 is on the minus strand). VCF-style: chr7-157005627-G-A. GRCh37 (hg19) VCF-style: chr7-156798321-G-A.
Other names: c.463C>T, p.His155Tyr (NM_001165255.2); short protein forms H367Y, H155Y.
Identifiers: ClinVar variation 2981740 (VCV002981740.3), dbSNP rs1199018889, ClinGen allele CA370161433.